The following is an entry in ClinVar:

NM_001113378.2(FANCI):c.630dup (p.Pro211fs)

Gene: FANCI (FA complementation group I; plus strand). Cytogenetic location: 15q26.1.
Variant type: Duplication.
Coding change: c.630dup on transcript NM_001113378.2 (MANE Select); coding-DNA position 630, one base duplicated (A; older notation c.630dupA).
Protein change: p.Pro211fs; shifts the reading frame from proline 211.
Molecular consequence: frameshift variant.
Genome position (GRCh38, 1-based): chr15:89,263,987, A duplicated. VCF-style (leftmost placement, unchanged base first): chr15-89263986-T-TA. GRCh37 (hg19) VCF-style: chr15-89807217-T-TA.
Other names: c.351dup, p.Pro118fs (NM_001376910.1); c.630dup, p.Pro211fs (NM_001376911.1, NM_018193.3); short protein forms P118fs, P211fs.
Identifiers: ClinVar variation 2800828 (VCV002800828.3), dbSNP rs2505969978, ClinGen allele CA2739269646.

ClinVar aggregate classification (germline): Pathogenic (1 of 4 stars; one submission).

Conditions:
Fanconi anemia (FA). Also called: Fanconi's anemia. Identifiers: Orphanet 84, MedGen C0015625, MeSH D005199, MONDO:0019391.

Submission:

Labcorp Genetics (formerly Invitae), Labcorp
Classification: Pathogenic for Fanconi anemia. Last evaluated: 2022-12-09. Review status: criteria provided, single submitter. Criteria: Invitae Variant Classification Sherloc (09022015). Collection method: clinical testing. Allele origin: germline.
Comment: This sequence change creates a premature translational stop signal (p.Pro211Thrfs*32) in the FANCI gene. It is expected to result in an absent or disrupted protein product. Loss-of-function variants in FANCI are known to be pathogenic (PMID: 17452773, 17460694). This variant is not present in population databases (gnomAD no frequency). This variant has not been reported in the literature in individuals affected with FANCI-related conditions. For these reasons, this variant has been classified as Pathogenic.

Literature cited by the submitters: PubMed 17452773; PubMed 17460694.